The following is an entry in ClinVar:

NM_181882.3(PRX):c.3376C>A (p.Leu1126Met)

Gene: PRX (periaxin; minus strand). Cytogenetic location: 19q13.2.
Variant type: single nucleotide variant.
Coding change: c.3376C>A on transcript NM_181882.3 (MANE Select); coding-DNA position 3376, C replaced by A.
Protein change: p.Leu1126Met; replaces leucine 1126 with methionine.
Molecular consequence: missense variant. On other transcripts: 3 prime UTR variant (1).
Genome position (GRCh38, 1-based): chr19:40,394,976, G>T on the plus strand (C>A on the coding strand, the complement: PRX is on the minus strand). VCF-style: chr19-40394976-G-T. GRCh37 (hg19) VCF-style: chr19-40900883-G-T.
Other names: c.*3581C>A (NM_020956.2); short protein forms L1126M.
Identifiers: ClinVar variation 568251 (VCV000568251.6), dbSNP rs1483705612, ClinGen allele CA405894010.

ClinVar aggregate classification (germline): Uncertain significance (1 of 4 stars; one submission).

Conditions:
Charcot-Marie-Tooth disease type 4. Also called: Charcot-Marie-Tooth, Type 4; Charcot-Marie-Tooth disease, type IV. Identifiers: Orphanet 64749, MedGen C4082197, MONDO:0018995.

Allele frequency attached by ClinVar (database versions not stated): gnomAD 0.00001; gnomAD exomes 0.00001; TOPMed 0.00001.
gnomAD v4.1: 6 of 1,608,586 alleles (0.00037%); highest among the groups gnomAD compares: Non-Finnish European, 0.00051%; no homozygotes.

Submission:

Labcorp Genetics (formerly Invitae), Labcorp
Classification: Uncertain significance for Charcot-Marie-Tooth disease type 4. Last evaluated: 2021-08-27. Review status: criteria provided, single submitter. Criteria: Invitae Variant Classification Sherloc (09022015). Collection method: clinical testing. Allele origin: germline.
Comment: This sequence change replaces leucine with methionine at codon 1126 of the PRX protein (p.Leu1126Met). The leucine residue is moderately conserved and there is a small physicochemical difference between leucine and methionine. This variant is not present in population databases (ExAC no frequency). This variant has not been reported in the literature in individuals affected with PRX-related conditions. Algorithms developed to predict the effect of missense changes on protein structure and function are either unavailable or do not agree on the potential impact of this missense change (SIFT: "Tolerated"; PolyPhen-2: "Possibly Damaging"; Align-GVGD: "Class C0"). In summary, the available evidence is currently insufficient to determine the role of this variant in disease. Therefore, it has been classified as a Variant of Uncertain Significance.